The following is an entry in ClinVar:

ClinVar aggregate classification (germline): Likely benign. Review status: criteria provided, multiple submitters, no conflicts (2 of 4 stars). 3 submissions from 3 submitters: Likely benign (3). Last evaluated 2024-02-26.

Conditions:
Classic or attenuated familial adenomatous polyposis. Identifiers: MedGen CN372698, MONDO:0021057.
Familial adenomatous polyposis 1 (FAP1). Also called: POLYPOSIS, ADENOMATOUS INTESTINAL; FAMILIAL ADENOMATOUS POLYPOSIS 1, ATTENUATED. Identifiers: MedGen C2713442, MONDO:0021056, OMIM 175100. Disease mechanism: loss of function.
Hereditary cancer-predisposing syndrome. Also called: Hereditary neoplastic syndrome; Hereditary Cancer Syndrome; Neoplastic Syndromes, Hereditary; Tumor predisposition. Identifiers: Orphanet 140162, MedGen C0027672, MeSH D009386, MONDO:0015356.

Submissions (3):

Myriad Genetics, Inc.
Classification: Likely benign for Familial adenomatous polyposis 1. Last evaluated: 2024-02-26. Review status: criteria provided, single submitter. Criteria: Myriad Autosomal Dominant, Autosomal Recessive and X-Linked Classification Criteria (2023). Collection method: clinical testing. Allele origin: unknown.
Comment: This variant is considered likely benign. This variant is intronic and is not expected to impact mRNA splicing.

All of Us Research Program, National Institutes of Health
Classification: Likely benign for Classic or attenuated familial adenomatous polyposis. Last evaluated: 2023-05-04. Review status: criteria provided, single submitter. Criteria: ACMG Guidelines, 2015. Collection method: clinical testing. Allele origin: germline. Inheritance: Autosomal dominant inheritance. Observed: 1 variant allele, 1 heterozygote.
Comment: This study involves interpretation of variants in research participants for the purpose of population health screening. Participant phenotype was not available at the time of variant classification. Additional details can be found in publication PMID: 35346344, PMCID: PMC8962531

Color Diagnostics, LLC DBA Color Health
Classification: Likely benign for Hereditary cancer-predisposing syndrome. Last evaluated: 2022-10-24. Review status: criteria provided, single submitter. Criteria: ACMG Guidelines, 2015. Collection method: clinical testing. Allele origin: germline.

NM_000038.6(APC):c.730-11C>T

Gene: APC (APC regulator of Wnt signaling pathway; plus strand). Cytogenetic location: 5q22.2.
Variant type: single nucleotide variant.
Coding change: c.730-11C>T on transcript NM_000038.6 (MANE Select); 11 bases into the intron before coding-DNA position 730, C replaced by T.
Molecular consequence: intron variant.
Genome position (GRCh38, 1-based): chr5:112,801,268, C>T. VCF-style: chr5-112801268-C-T. GRCh37 (hg19) VCF-style: chr5-112136965-C-T.
Other names: c.-306-11C>T (NM_001407470.1, NM_001407472.1, NM_001354906.2 and 1 more transcripts); c.730-11C>T (NM_001407447.1, NM_001354895.2, NM_001407456.1 and 12 more transcripts); c.646-11C>T (NM_001407452.1, NM_001407469.1, NM_001354899.2 and 1 more transcripts); c.760-11C>T (NM_001407446.1, NM_001354897.2, NM_001354902.2); c.676-11C>T (NM_001127511.3); c.553-11C>T (NM_001407453.1, NM_001354900.2, NM_001354901.2 and 1 more transcripts); c.655-11C>T (NM_001407451.1, NM_001354898.2, NM_001354904.2).
Identifiers: ClinVar variation 3070636 (VCV003070636.3), dbSNP rs2149711208, ClinGen allele CA2709981258.